The following is an entry in ClinVar:

ClinVar aggregate classification (germline): Uncertain significance. Review status: criteria provided, multiple submitters, no conflicts (2 of 4 stars). 2 submissions from 2 submitters: Uncertain significance (2). Last evaluated 2025-01-15.

Conditions:
FG syndrome (FGS). Identifiers: MedGen C0220769, MONDO:0002010.

Submissions (2):

Labcorp Genetics (formerly Invitae), Labcorp
Classification: Uncertain significance for FG syndrome. Last evaluated: 2025-01-15. Review status: criteria provided, single submitter. Criteria: Invitae Variant Classification Sherloc (09022015). Collection method: clinical testing. Allele origin: germline.
Comment: This sequence change replaces glycine, which is neutral and non-polar, with glutamic acid, which is acidic and polar, at codon 2141 of the MED12 protein (p.Gly2141Glu). This variant is not present in population databases (gnomAD no frequency). This variant has not been reported in the literature in individuals affected with MED12-related conditions. ClinVar contains an entry for this variant (Variation ID: 450531). Invitae Evidence Modeling of protein sequence and biophysical properties (such as structural, functional, and spatial information, amino acid conservation, physicochemical variation, residue mobility, and thermodynamic stability) has been performed for this missense variant. However, the output from this modeling did not meet the statistical confidence thresholds required to predict the impact of this variant on MED12 protein function. In summary, the available evidence is currently insufficient to determine the role of this variant in disease. Therefore, it has been classified as a Variant of Uncertain Significance.

GeneDx
Classification: Uncertain significance. Last evaluated: 2018-09-28. Review status: criteria provided, single submitter. Criteria: GeneDx Variant Classification (06012015). Collection method: clinical testing. Allele origin: germline. Affected: yes.
Comment: The G2141E variant in the MED12 gene has not been reported previously as a pathogenic variant, nor as a benign variant, to our knowledge. The G2141E variant is not observed in large population cohorts (Lek et al., 2016; 1000 Genomes Consortium et al., 2015; Exome Variant Server). The G2141E variant is a non-conservative amino acid substitution, which is likely to impact secondary protein structure as these residues differ in polarity, charge, size and/or other properties. This substitution occurs at a position that is conserved across species. In silico analysis predicts this variant is probably damaging to the protein structure/function. We interpret G2141E as a variant of uncertain significance.

NM_005120.3(MED12):c.6422G>A (p.Gly2141Glu)

Gene: MED12 (mediator complex subunit 12; plus strand). Cytogenetic location: Xq13.1.
Variant type: single nucleotide variant.
Coding change: c.6422G>A on transcript NM_005120.3 (MANE Select); coding-DNA position 6422, G replaced by A.
Protein change: p.Gly2141Glu; replaces glycine 2141 with glutamic acid.
Molecular consequence: missense variant.
Genome position (GRCh38, 1-based): chrX:71,141,896, G>A. VCF-style: chrX-71141896-G-A. GRCh37 (hg19) VCF-style: chrX-70361746-G-A.
Other names: short protein forms G2141E.
Identifiers: ClinVar variation 450531 (VCV000450531.4), dbSNP rs1556340261, ClinGen allele CA413543862.